The following is an entry in ClinVar:

NM_000264.5(PTCH1):c.323T>C (p.Ile108Thr)

Gene: PTCH1 (patched 1; minus strand). Cytogenetic location: 9q22.32.
Variant type: single nucleotide variant.
Coding change: c.323T>C on transcript NM_000264.5 (MANE Select); coding-DNA position 323, T replaced by C.
Protein change: p.Ile108Thr; replaces isoleucine 108 with threonine.
Molecular consequence: missense variant. On other transcripts: 5 prime UTR variant (4), non-coding transcript variant (1).
Genome position (GRCh38, 1-based): chr9:95,506,478, A>G on the plus strand (T>C on the coding strand, the complement: PTCH1 is on the minus strand). VCF-style: chr9-95506478-A-G. GRCh37 (hg19) VCF-style: chr9-98268760-A-G.
Other names: c.323T>C (NM_000264.3); c.125T>C, p.Ile42Thr (NM_001083602.3, NM_001354919.2); c.320T>C, p.Ile107Thr (NM_001083603.3); c.-131T>C (NM_001083604.3, NM_001083605.3, NM_001083606.3 and 1 more transcripts); c.323T>C, p.Ile108Thr (NM_001354918.2); short protein forms I107T, I108T, I42T.
Identifiers: ClinVar variation 1060023 (VCV001060023.11), dbSNP rs2118876529, ClinGen allele CA374120279.

ClinVar aggregate classification (germline): Uncertain significance. Review status: criteria provided, multiple submitters, no conflicts (2 of 4 stars). 3 submissions from 3 submitters: Uncertain significance (3). Last evaluated 2026-06-08.

Conditions:
Basal cell carcinoma, susceptibility to, 1. Also called: BCC1. Identifiers: MedGen C2751544, MONDO:0011556, OMIM 605462.
Hereditary cancer-predisposing syndrome. Also called: Hereditary neoplastic syndrome; Neoplastic Syndromes, Hereditary; Tumor predisposition; Hereditary Cancer Syndrome. Identifiers: Orphanet 140162, MedGen C0027672, MeSH D009386, MONDO:0015356.
Gorlin syndrome. Also called: Basal cell nevus syndrome; Nevoid Basal Cell Carcinoma Syndrome. Identifiers: Orphanet 377, MedGen C0004779, MONDO:0007187.

Submissions (3):

Ambry Genetics
Classification: Uncertain significance for Hereditary cancer-predisposing syndrome. Last evaluated: 2026-06-08. Review status: criteria provided, single submitter. Criteria: Ambry Variant Classification Scheme 2023. Collection method: clinical testing. Allele origin: germline.
Comment: The p.I108T variant (also known as c.323T>C), located in coding exon 2 of the PTCH1 gene, results from a T to C substitution at nucleotide position 323. The isoleucine at codon 108 is replaced by threonine, an amino acid with similar properties. This amino acid position is highly conserved in available vertebrate species. In addition, this alteration is predicted to be deleterious by in silico analysis. Based on the available evidence, the clinical significance of this variant remains unclear.

Labcorp Genetics (formerly Invitae), Labcorp
Classification: Uncertain significance for Gorlin syndrome. Last evaluated: 2025-09-07. Review status: criteria provided, single submitter. Criteria: Invitae Variant Classification Sherloc (09022015). Collection method: clinical testing. Allele origin: germline.
Comment: This sequence change replaces isoleucine, which is neutral and non-polar, with threonine, which is neutral and polar, at codon 108 of the PTCH1 protein (p.Ile108Thr). This variant is not present in population databases (gnomAD no frequency). This variant has not been reported in the literature in individuals affected with PTCH1-related conditions. ClinVar contains an entry for this variant (Variation ID: 1060023). Invitae Evidence Modeling of protein sequence and biophysical properties (such as structural, functional, and spatial information, amino acid conservation, physicochemical variation, residue mobility, and thermodynamic stability) indicates that this missense variant is not expected to disrupt PTCH1 protein function with a negative predictive value of 95%. In summary, the available evidence is currently insufficient to determine the role of this variant in disease. Therefore, it has been classified as a Variant of Uncertain Significance.

Baylor Genetics
Classification: Uncertain significance for Basal cell carcinoma, susceptibility to, 1. Last evaluated: 2024-03-18. Review status: criteria provided, single submitter. Criteria: ACMG Guidelines, 2015. Collection method: clinical testing. Allele origin: unknown.